The following is an entry in ClinVar:

ClinVar aggregate classification (germline): Likely benign. Review status: criteria provided, multiple submitters, no conflicts (2 of 4 stars). 2 submissions from 2 submitters: Likely benign (2). Last evaluated 2025-10-23.

Conditions:
Cardiovascular phenotype. Identifiers: MedGen CN230736.
Catecholaminergic polymorphic ventricular tachycardia (CVPT). Also called: Catecholamine-induced polymorphic ventricular tachycardia. Identifiers: Orphanet 3286, MedGen C5574922, MONDO:0017990.

Allele frequency attached by ClinVar (database versions not stated): gnomAD exomes 0.00001.
gnomAD v4.1: 8 of 1,613,928 alleles (0.0005%); highest among the groups gnomAD compares: Non-Finnish European, 0.00068%; no homozygotes.

Submissions (2):

Ambry Genetics
Classification: Likely benign for Cardiovascular phenotype. Last evaluated: 2025-10-23. Review status: criteria provided, single submitter. Criteria: Ambry Variant Classification Scheme 2023. Collection method: clinical testing. Allele origin: germline.

All of Us Research Program, National Institutes of Health
Classification: Likely benign for Catecholaminergic polymorphic ventricular tachycardia. Last evaluated: 2023-09-17. Review status: criteria provided, single submitter. Criteria: ACMG Guidelines, 2015. Collection method: clinical testing. Allele origin: germline. Inheritance: Autosomal dominant inheritance. Observed: 2 variant alleles, 2 heterozygotes.
Comment: This study involves interpretation of variants in research participants for the purpose of population health screening. Participant phenotype was not available at the time of variant classification. Additional details can be found in publication PMID: 35346344, PMCID: PMC8962531

NM_001035.3(RYR2):c.3345T>C (p.Val1115=)

Gene: RYR2 (ryanodine receptor 2; plus strand). Cytogenetic location: 1q43.
Variant type: single nucleotide variant.
Coding change: c.3345T>C on transcript NM_001035.3 (MANE Select); coding-DNA position 3345, T replaced by C.
Protein change: p.Val1115=; no amino-acid change (valine 1115 retained).
Molecular consequence: synonymous variant.
Genome position (GRCh38, 1-based): chr1:237,566,697, T>C. VCF-style: chr1-237566697-T-C. GRCh37 (hg19) VCF-style: chr1-237729997-T-C.
Other names: c.3345T>C (NM_001035.2).
Identifiers: ClinVar variation 3072570 (VCV003072570.2), dbSNP rs1179145556, ClinGen allele CA423819185.